The following is an entry in ClinVar:

ClinVar aggregate classification (germline): Pathogenic (1 of 4 stars; one submission).

Conditions:
Mucopolysaccharidosis, MPS-II (MPS2). Also called: Hunter Syndrome; IDURONATE 2-SULFATASE DEFICIENCY; Mucopolysaccharidosis Type II; Mucopolysaccharidosis type 2; Attenuated MPS (subtype; formerly known as mild MPS II); Severe MPS II. Identifiers: Orphanet 580, Orphanet 79388, MedGen C0026705, MONDO:0010674, OMIM 309900.

Submission:

Laboratory of Diagnosis and Therapy of Lysosomal Disorders, University of Padova
Classification: Pathogenic for Mucopolysaccharidosis, MPS-II. Last evaluated: 2024-06-07. Review status: criteria provided, single submitter. Criteria: ACMG Guidelines, 2015. Collection method: literature only. Allele origin: germline. Affected: yes. Observed: 1 variant allele.
Comment: Null variant (PVS1_VeryStrong), Absent from controls (or at low frequency) in gnomAD database (PM2_Moderate), Patient’s phenotype or family history highly specific for the disease (PP4_Strong)

Classification method: ACMG Guidelines [PMID:25741868] with modifications

Literature cited by the submitters: PubMed 30639582.

NM_000202.8(IDS):c.722dup (p.Leu241fs)

Genes: IDS (iduronate 2-sulfatase; minus strand), LOC106050102 (IDS recombination region; plus strand). Cytogenetic location: Xq28.
Variant type: Duplication.
Coding change: c.722dup on transcript NM_000202.8 (MANE Select); coding-DNA position 722, one base duplicated (T; older notation c.722dupT).
Protein change: p.Leu241fs; shifts the reading frame from leucine 241.
Molecular consequence: frameshift variant. On other transcripts: non-coding transcript variant (1).
Genome position (GRCh38, 1-based): chrX:149,496,503, A duplicated on the plus strand (T on the coding strand, the reverse complement: IDS is on the minus strand); the first of 2 consecutive A bases (chrX:149,496,503-149,496,504); duplicating either gives the same sequence. VCF-style (leftmost placement, unchanged base first): chrX-149496502-C-CA. GRCh37 (hg19) VCF-style: chrX-148578033-C-CA.
Other names: c.452dup, p.Leu151fs (NM_001166550.4); c.722dup, p.Leu241fs (NM_006123.5); short protein forms L151fs, L241fs.
Identifiers: ClinVar variation 3255824 (VCV003255824.2).